The following is an entry in ClinVar:

NM_004333.6(BRAF):c.1932T>C (p.Ile644=)

Gene: BRAF (B-Raf proto-oncogene, serine/threonine kinase; minus strand). Cytogenetic location: 7q34.
Variant type: single nucleotide variant.
Coding change: c.1932T>C on transcript NM_004333.6 (MANE Select); coding-DNA position 1932, T replaced by C.
Protein change: p.Ile644=; no amino-acid change (isoleucine 644 retained).
Molecular consequence: synonymous variant.
Genome position (GRCh38, 1-based): chr7:140,749,347, A>G on the plus strand (T>C on the coding strand, the complement: BRAF is on the minus strand). VCF-style: chr7-140749347-A-G. GRCh37 (hg19) VCF-style: chr7-140449147-A-G.
Other names: c.1932T>C, p.Ile644= (NM_001354609.2, NM_001378468.1, NM_001378474.1); c.2052T>C, p.Ile684= (NM_001374244.1, NM_001374258.1); c.1941T>C, p.Ile647= (NM_001378467.1); c.1866T>C, p.Ile622= (NM_001378469.1); c.1830T>C, p.Ile610= (NM_001378470.1); c.1821T>C, p.Ile607= (NM_001378471.1); c.1776T>C, p.Ile592= (NM_001378472.1, NM_001378473.1); c.1668T>C, p.Ile556= (NM_001378475.1).
Identifiers: ClinVar variation 2909000 (VCV002909000.5), dbSNP rs1380079745, ClinGen allele CA457985809.

ClinVar aggregate classification (germline): Likely benign. Review status: criteria provided, single submitter (1 of 4 stars). 2 submissions from 2 submitters: Likely benign (1). 1 of the submissions does not count toward it. Last evaluated 2022-11-15.

Conditions:
BRAF-related disorder. Also called: BRAF-related condition.
RASopathy. Also called: Noonan spectrum disorder; rasopathies. Identifiers: Orphanet 536391, MedGen C5555857, MONDO:0021060.

Allele frequency attached by ClinVar (database versions not stated): gnomAD exomes below 0.00001; gnomAD 0.00001.
gnomAD v4.1: 2 of 1,612,882 alleles (0.00012%); highest among the groups gnomAD compares: Admixed American, 0.0033%; no homozygotes.

Submissions (2):

Labcorp Genetics (formerly Invitae), Labcorp
Classification: Likely benign for RASopathy. Last evaluated: 2022-11-15. Review status: criteria provided, single submitter. Criteria: Invitae Variant Classification Sherloc (09022015). Collection method: clinical testing. Allele origin: germline.

PreventionGenetics, part of Exact Sciences
Classification: Likely benign for BRAF-related condition. Last evaluated: 2022-08-23. Review status: no assertion criteria provided. Collection method: clinical testing. Allele origin: germline. Not counted in ClinVar's aggregate classification.
Comment: This variant is classified as likely benign based on ACMG/AMP sequence variant interpretation guidelines (Richards et al. 2015 PMID: 25741868, with internal and published modifications).